The following is an entry in ClinVar:

NM_004991.4(MECOM):c.763G>A (p.Asp255Asn)

Gene: MECOM (MDS1 and EVI1 complex locus; minus strand). Cytogenetic location: 3q26.2.
Variant type: single nucleotide variant.
Coding change: c.763G>A on transcript NM_004991.4 (MANE Select); coding-DNA position 763, G replaced by A.
Protein change: p.Asp255Asn; replaces aspartic acid 255 with asparagine.
Molecular consequence: missense variant.
Genome position (GRCh38, 1-based): chr3:169,127,911, C>T on the plus strand (G>A on the coding strand, the complement: MECOM is on the minus strand). VCF-style: chr3-169127911-C-T. GRCh37 (hg19) VCF-style: chr3-168845699-C-T.
Other names: c.199G>A, p.Asp67Asn (NM_001366471.2, NM_001366472.2, NM_001366474.2 and 9 more transcripts); c.763G>A, p.Asp255Asn (NM_001366473.2, NM_001366466.2); c.391G>A, p.Asp131Asn (NM_001105077.4); short protein forms D67N, D131N, D255N.
Identifiers: ClinVar variation 4842780 (VCV004842780.1).

ClinVar aggregate classification (germline): Uncertain significance (1 of 4 stars; one submission).

Conditions:
Inborn genetic diseases. Identifiers: MedGen C0950123, MeSH D030342.

Submission:

Ambry Genetics
Classification: Uncertain significance for Inborn genetic diseases. Last evaluated: 2026-01-14. Review status: criteria provided, single submitter. Criteria: Ambry Variant Classification Scheme 2023. Collection method: clinical testing. Allele origin: germline.
Comment: The p.D255N variant (also known as c.763G>A), located in coding exon 5 of the MECOM gene, results from a G to A substitution at nucleotide position 763. The aspartic acid at codon 255 is replaced by asparagine, an amino acid with highly similar properties. This amino acid position is conserved. In addition, this alteration is predicted to be tolerated by in silico analysis. Based on the available evidence, the clinical significance of this variant remains unclear.